The following is an entry in ClinVar:

ClinVar aggregate classification (germline): Uncertain significance. Review status: criteria provided, multiple submitters, no conflicts (2 of 4 stars). 3 submissions from 3 submitters: Uncertain significance (3). Last evaluated 2025-05-09.

Conditions:
Hereditary nonpolyposis colorectal neoplasms. Identifiers: MedGen C0009405, MeSH D003123.
Hereditary cancer-predisposing syndrome. Also called: Hereditary Cancer Syndrome; Neoplastic Syndromes, Hereditary; Tumor predisposition; Hereditary neoplastic syndrome. Identifiers: Orphanet 140162, MedGen C0027672, MeSH D009386, MONDO:0015356.

Submissions (3):

Ambry Genetics
Classification: Uncertain significance for Hereditary cancer-predisposing syndrome. Last evaluated: 2025-05-09. Review status: criteria provided, single submitter. Criteria: Ambry Variant Classification Scheme 2023. Collection method: clinical testing. Allele origin: germline.
Comment: The p.Q174E variant (also known as c.520C>G), located in coding exon 5 of the PMS2 gene, results from a C to G substitution at nucleotide position 520. The glutamine at codon 174 is replaced by glutamic acid, an amino acid with highly similar properties. This amino acid position is highly conserved in available vertebrate species. In addition, the in silico prediction for this alteration is inconclusive. Based on the available evidence, the clinical significance of this variant remains unclear.

Labcorp Genetics (formerly Invitae), Labcorp
Classification: Uncertain significance for Hereditary nonpolyposis colorectal neoplasms. Last evaluated: 2024-11-03. Review status: criteria provided, single submitter. Criteria: Invitae Variant Classification Sherloc (09022015). Collection method: clinical testing. Allele origin: germline.
Comment: This sequence change replaces glutamine, which is neutral and polar, with glutamic acid, which is acidic and polar, at codon 174 of the PMS2 protein (p.Gln174Glu). This variant is not present in population databases (gnomAD no frequency). This variant has not been reported in the literature in individuals affected with PMS2-related conditions. ClinVar contains an entry for this variant (Variation ID: 2164509). Invitae Evidence Modeling incorporating data from in vitro experimental studies (internal data) indicates that this missense variant is not expected to disrupt PMS2 function with a negative predictive value of 95%. In summary, the available evidence is currently insufficient to determine the role of this variant in disease. Therefore, it has been classified as a Variant of Uncertain Significance.

Color Diagnostics, LLC DBA Color Health
Classification: Uncertain significance for Hereditary cancer-predisposing syndrome. Last evaluated: 2022-06-22. Review status: criteria provided, single submitter. Criteria: ACMG Guidelines, 2015. Collection method: clinical testing. Allele origin: germline.
Comment: This missense variant replaces glutamine with glutamic acid at codon 174 of the PMS2 protein. Computational prediction suggests that this variant may not impact protein structure and function (internally defined REVEL score threshold <= 0.5, PMID: 27666373). To our knowledge, functional studies have not been reported for this variant. This variant has not been reported in individuals affected with hereditary cancer in the literature. This variant has not been identified in the general population by the Genome Aggregation Database (gnomAD). The available evidence is insufficient to determine the role of this variant in disease conclusively. Therefore, this variant is classified as a Variant of Uncertain Significance.

NM_000535.7(PMS2):c.520C>G (p.Gln174Glu)

Gene: PMS2 (PMS1 homolog 2, mismatch repair system component; minus strand). Cytogenetic location: 7p22.1.
Variant type: single nucleotide variant.
Coding change: c.520C>G on transcript NM_000535.7 (MANE Select); coding-DNA position 520, C replaced by G.
Protein change: p.Gln174Glu; replaces glutamine 174 with glutamic acid.
Molecular consequence: missense variant. On other transcripts: 5 prime UTR variant (2), non-coding transcript variant (1).
Genome position (GRCh38, 1-based): chr7:6,002,470, G>C on the plus strand (C>G on the coding strand, the complement: PMS2 is on the minus strand). VCF-style: chr7-6002470-G-C. GRCh37 (hg19) VCF-style: chr7-6042101-G-C.
Other names: c.115C>G, p.Gln39Glu (NM_001018040.1, NM_001322003.2, NM_001322004.2 and 25 more transcripts); c.520C>G, p.Gln174Glu (NM_001322006.2, NM_001322014.2, NM_001406869.1 and 8 more transcripts); c.202C>G, p.Gln68Glu (NM_001322007.2, NM_001322008.2, NM_001406876.1 and 4 more transcripts); c.-365C>G (NM_001322011.2, NM_001322012.2); c.211C>G, p.Gln71Glu (NM_001322015.2, NM_001406875.1, NM_001406877.1 and 6 more transcripts); c.706C>G, p.Gln236Glu (NM_001406866.1); c.544C>G, p.Gln182Glu (NM_001406868.1); short protein forms Q182E, Q68E, Q236E, Q39E, Q71E, Q174E.
Identifiers: ClinVar variation 2164509 (VCV002164509.8), dbSNP rs1221485925, ClinGen allele CA366744186.